The following is an entry in ClinVar:

ClinVar aggregate classification (germline): Uncertain significance (1 of 4 stars; one submission).

Conditions:
TMEM165-congenital disorder of glycosylation. Also called: CDG IIk; TMEM165-CDG; Congenital disorder of glycosylation type 2k. Identifiers: Orphanet 314667, MedGen C3553571, MONDO:0013870, OMIM 614727.

Submission:

Juno Genomics, Hangzhou Juno Genomics, Inc
Classification: Uncertain significance for TMEM165-congenital disorder of glycosylation. Review status: criteria provided, single submitter. Criteria: ACMG Guidelines, 2015. Collection method: clinical testing. Allele origin: germline.
Comment: Absent from controls (or at extremely low frequency if recessive) in Genome Aggregation Database.;Multiple lines of computational evidence support a deleterious effect on the gene or gene product.

NM_018475.5(TMEM165):c.290T>C (p.Phe97Ser)

Gene: TMEM165 (transmembrane protein 165; plus strand). Cytogenetic location: 4q12.
Variant type: single nucleotide variant.
Coding change: c.290T>C on transcript NM_018475.5 (MANE Select); coding-DNA position 290, T replaced by C.
Protein change: p.Phe97Ser; replaces phenylalanine 97 with serine.
Molecular consequence: missense variant. On other transcripts: non-coding transcript variant (1).
Genome position (GRCh38, 1-based): chr4:55,411,696, T>C. VCF-style: chr4-55411696-T-C. GRCh37 (hg19) VCF-style: chr4-56277863-T-C.
Other names: short protein forms F97S.
Identifiers: ClinVar variation 5006776 (VCV005006776.2).